The following is an entry in ClinVar:

GRCh37/hg19 22q11.23(chr22:23689960-25000632)x3

Genes: ADORA2A (adenosine A2a receptor; plus strand), C22orf15 (chromosome 22 open reading frame 15; plus strand), CABIN1 (calcineurin binding protein 1; plus strand), CHCHD10 (coiled-coil-helix-coiled-coil-helix domain containing 10; minus strand), DDT (D-dopachrome tautomerase; minus strand) and 22 more. Cytogenetic location: 22q11.23.
Variant type: copy number gain.
Change: copy number 3 (three copies instead of two) of chr22:23,689,960-25,000,632 (1.31 Mb, GRCh37 coordinates, 1-based), cytogenetic band 22q11.23.
Identifiers: ClinVar variation 1328446 (VCV001328446.4).

ClinVar aggregate classification (germline): Uncertain significance (1 of 4 stars; one submission).

Submission:

Illumina Laboratory Services, Illumina
Classification: Uncertain significance. Last evaluated: 2021-06-30. Review status: criteria provided, single submitter. Criteria: ICSL CNVClassificationCriteria Aug2020. Collection method: clinical testing. Allele origin: unknown.
Comment: This CNV is an inherited 1.3 Mb duplication of 22q11.23 on chromosome 22, (seq[GRCh37]dup(22)(q11.23); chr22:g.23689960_25000632dup). This CNV constitutes a gain of 28 protein coding genes and overlaps the low copy repeat region (LCR) F-H of 22q11.2. At least 14 individuals have been described in the literature with duplications of the LCR F-H region (ranging in size from 1.2-1.4 Mb). Phenotypes were highly variable although all presented with developmental delay. Additional features of language delay, neuropsychiatric features, seizures, hypotonia, facial dysmorphisms, intellectual disability, and urogenital abnormalities were seen in some individuals. Hearing loss, behavioral problems, facial paralysis, polydactyly, and optic nerve coloboma were less frequently observed (Pinchefsky et al. 2017; Valencia-Peña et al. 2020). Of the 14 individuals, 10 inherited the variant from a parent with either unknown or unaffected status. In addition to the cases in the literature, duplications of the LCR F-H region has been described in case databases (Firth et al. 2009), but has also been detected in nine controls in the developmental delay case-control study and Database of Genomic Variants (Coe et al. 2014; McDonald et al. 2014). Based on the collective evidence this CNV is classified as a variant of uncertain significance.

Literature cited by the submitters: PubMed 19344873; PubMed 24174537; PubMed 25217958; PubMed 29147671; PubMed 32807111.